The following is an entry in ClinVar:

ClinVar aggregate classification (germline): Uncertain significance. Review status: criteria provided, multiple submitters, no conflicts (2 of 4 stars). 2 submissions from 2 submitters: Uncertain significance (2). Last evaluated 2024-06-21.

Conditions:
X-linked severe congenital neutropenia (SCNX). Identifiers: Orphanet 86788, MedGen C1845987, MONDO:0010294, OMIM 300299.
Thrombocytopenia 1. Also called: THROMBOCYTOPENIA, X-LINKED, 1; X-linked thrombocytopenia with normal platelets; X-Linked Thrombocytopenia (XLT). Identifiers: Orphanet 268322, Orphanet 852, MedGen C1839163, MONDO:0010743, OMIM 313900.
Wiskott-Aldrich syndrome (WAS). Also called: IMMUNODEFICIENCY 2; Wiskott-aldrich syndrome, somatic; ALDRICH SYNDROME; WISKOTT-ALDRICH SYNDROME 1. Identifiers: Orphanet 906, MedGen C0043194, MONDO:0010518, OMIM 301000.

Submissions (2):

Labcorp Genetics (formerly Invitae), Labcorp
Classification: Uncertain significance for Wiskott-Aldrich syndrome; X-linked severe congenital neutropenia; Thrombocytopenia 1. Last evaluated: 2024-06-21. Review status: criteria provided, single submitter. Criteria: Invitae Variant Classification Sherloc (09022015). Collection method: clinical testing. Allele origin: germline.
Comment: This sequence change replaces isoleucine, which is neutral and non-polar, with threonine, which is neutral and polar, at codon 238 of the WAS protein (p.Ile238Thr). This variant is not present in population databases (gnomAD no frequency). This variant has not been reported in the literature in individuals affected with WAS-related conditions. ClinVar contains an entry for this variant (Variation ID: 1012866). Advanced modeling of protein sequence and biophysical properties (such as structural, functional, and spatial information, amino acid conservation, physicochemical variation, residue mobility, and thermodynamic stability) has been performed at Invitae for this missense variant, however the output from this modeling did not meet the statistical confidence thresholds required to predict the impact of this variant on WAS protein function. In summary, the available evidence is currently insufficient to determine the role of this variant in disease. Therefore, it has been classified as a Variant of Uncertain Significance.

CeGaT Center for Human Genetics Tuebingen
Classification: Uncertain significance. Last evaluated: 2021-01-01. Review status: criteria provided, single submitter. Criteria: CeGaT Center For Human Genetics Tuebingen Variant Classification Criteria Version 2. Collection method: clinical testing. Allele origin: germline. Affected: yes. Observed: 1 variant allele.

NM_000377.3(WAS):c.713T>C (p.Ile238Thr)

Gene: WAS (WASP actin nucleation promoting factor; plus strand). Cytogenetic location: Xp11.23.
Variant type: single nucleotide variant.
Coding change: c.713T>C on transcript NM_000377.3 (MANE Select); coding-DNA position 713, T replaced by C.
Protein change: p.Ile238Thr; replaces isoleucine 238 with threonine.
Molecular consequence: missense variant.
Genome position (GRCh38, 1-based): chrX:48,686,934, T>C. VCF-style: chrX-48686934-T-C. GRCh37 (hg19) VCF-style: chrX-48545323-T-C.
Other names: short protein forms I238T.
Identifiers: ClinVar variation 1012866 (VCV001012866.40), dbSNP rs2062422194, ClinGen allele CA412871082.